The following is an entry in ClinVar:

NM_018063.5(HELLS):c.1529G>A (p.Arg510Gln)

Gene: HELLS (helicase, lymphoid specific; plus strand). Cytogenetic location: 10q23.33.
Variant type: single nucleotide variant.
Coding change: c.1529G>A on transcript NM_018063.5 (MANE Select); coding-DNA position 1529, G replaced by A.
Protein change: p.Arg510Gln; replaces arginine 510 with glutamine.
Molecular consequence: missense variant.
Genome position (GRCh38, 1-based): chr10:94,590,453, G>A. VCF-style: chr10-94590453-G-A. GRCh37 (hg19) VCF-style: chr10-96350210-G-A.
Other names: c.1667G>A, p.Arg556Gln (NM_001289067.2); c.1481G>A, p.Arg494Gln (NM_001289068.2); c.1433G>A, p.Arg478Gln (NM_001289069.2); c.1235G>A, p.Arg412Gln (NM_001289070.2); c.1157G>A, p.Arg386Gln (NM_001289071.2); c.1139G>A, p.Arg380Gln (NM_001289072.2); c.1115G>A, p.Arg372Gln (NM_001289073.2); c.446G>A, p.Arg149Gln (NM_001289074.2); and 1 more; short protein forms R104Q, R494Q, R412Q, R510Q, R149Q, R372Q, R380Q, R478Q.
Identifiers: ClinVar variation 2084132 (VCV002084132.3), dbSNP rs1259193653, ClinGen allele CA377665566.

ClinVar aggregate classification (germline): Uncertain significance (1 of 4 stars; one submission).

Allele frequency attached by ClinVar (database versions not stated): gnomAD exomes below 0.00001; TOPMed below 0.00001; gnomAD 0.00001.
gnomAD v4.1: 5 of 1,609,758 alleles (0.00031%); highest among the groups gnomAD compares: African/African-American, 0.0027%; no homozygotes.

Submission:

Labcorp Genetics (formerly Invitae), Labcorp
Classification: Uncertain significance. Last evaluated: 2024-10-07. Review status: criteria provided, single submitter. Criteria: Invitae Variant Classification Sherloc (09022015). Collection method: clinical testing. Allele origin: germline.
Comment: This sequence change replaces arginine, which is basic and polar, with glutamine, which is neutral and polar, at codon 510 of the HELLS protein (p.Arg510Gln). This variant is not present in population databases (gnomAD no frequency). This variant has not been reported in the literature in individuals affected with HELLS-related conditions. ClinVar contains an entry for this variant (Variation ID: 2084132). An algorithm developed to predict the effect of missense changes on protein structure and function (PolyPhen-2) suggests that this variant is likely to be disruptive. In summary, the available evidence is currently insufficient to determine the role of this variant in disease. Therefore, it has been classified as a Variant of Uncertain Significance.